The following is an entry in ClinVar:

ClinVar aggregate classification (germline): Uncertain significance. Review status: criteria provided, multiple submitters, no conflicts (2 of 4 stars). 3 submissions from 3 submitters: Uncertain significance (2). 1 of the submissions does not count toward it. Last evaluated 2024-01-01.

Conditions:
CREBBP-related disorder. Also called: CREBBP-related condition; CREBBP-related disorders.
Rubinstein-Taybi syndrome due to CREBBP mutations (RSTS1). Also called: BROAD THUMBS AND GREAT TOES, CHARACTERISTIC FACIES, AND IMPAIRED INTELLECTUAL DEVELOPMENT; CREBBP-Related Rubinstein-Taybi Syndrome; RUBINSTEIN SYNDROME; Rubinstein-Taybi syndrome 1; RUBINSTEIN-TAYBI SYNDROME 1, INCOMPLETE; BROAD THUMB-HALLUX SYNDROME. Identifiers: Orphanet 353277, Orphanet 783, MedGen C4551859, MONDO:0008393, OMIM 180849.

Allele frequency attached by ClinVar (database versions not stated): gnomAD exomes below 0.00001 and 0.00002.
gnomAD v4.1: 25 of 1,614,028 alleles (0.0015%); highest among the groups gnomAD compares: Non-Finnish European, 0.002%; no homozygotes.

Submissions (3):

CeGaT Center for Human Genetics Tuebingen
Classification: Uncertain significance. Last evaluated: 2024-01-01. Review status: criteria provided, single submitter. Criteria: CeGaT Center For Human Genetics Tuebingen Variant Classification Criteria Version 2. Collection method: clinical testing. Allele origin: germline. Affected: yes. Observed: 1 variant allele.

Victorian Clinical Genetics Services, Murdoch Childrens Research Institute
Classification: Uncertain significance for Rubinstein-Taybi syndrome due to CREBBP mutations. Last evaluated: 2022-06-24. Review status: criteria provided, single submitter. Criteria: ACMG Guidelines, 2015. Collection method: clinical testing. Allele origin: germline. Inheritance: Autosomal dominant inheritance. Affected: yes.
Comment: Based on the classification scheme VCGS_Germline_v1.3.4, this variant is classified as VUS-3B. Following criteria are met: 0102 - Loss of function is a known mechanism of disease in this gene and is associated with Menke-Hennekam syndrome 1 (MIM#618332) and Rubinstein-Taybi syndrome 1 (MIM#180849). (I) 0107 - This gene is associated with autosomal dominant disease. (I) 0200 - Variant is predicted to result in a missense amino acid change from asparagine to isoleucine. (I) 0251 - This variant is heterozygous. (I) 0302 - Variant is present in gnomAD (v2) <0.001 for a dominant condition (1 heterozygote, 0 homozygotes). (SP) 0309 - An alternative amino acid change at the same position has been observed in gnomAD (v2) (3 heterozygotes, 0 homozygotes). (I) 0502 - Missense variant with conflicting in silico predictions and uninformative conservation. (I) 0604 - Variant is not located in an established domain, motif, hotspot or informative constraint region. (I) 0705 - No comparable missense variants have previous evidence for pathogenicity. (I) 0807 - This variant has no previous evidence of pathogenicity. (I) 0905 - No published segregation evidence has been identified for this variant. (I) 1007 - No published functional evidence has been identified for this variant. (I) 1208 - Inheritance information for this variant is not currently available in this individual. (I) Legend: (SP) - Supporting pathogenic, (I) - Information, (SB) - Supporting benign

PreventionGenetics, part of Exact Sciences
Classification: Uncertain significance for CREBBP-related condition. Last evaluated: 2024-09-20. Review status: no assertion criteria provided. Collection method: clinical testing. Allele origin: germline. Not counted in ClinVar's aggregate classification.
Comment: The CREBBP c.6557A>T variant is predicted to result in the amino acid substitution p.Asn2186Ile. To our knowledge, this variant has not been reported in the literature. This variant is reported in 0.00091% of alleles in individuals of European (Non-Finnish) descent in gnomAD. At this time, the clinical significance of this variant is uncertain due to the absence of conclusive functional and genetic evidence.

NM_004380.3(CREBBP):c.6557A>T (p.Asn2186Ile)

Gene: CREBBP (CREB binding lysine acetyltransferase; minus strand). Cytogenetic location: 16p13.3.
Variant type: single nucleotide variant.
Coding change: c.6557A>T on transcript NM_004380.3 (MANE Select); coding-DNA position 6557, A replaced by T.
Protein change: p.Asn2186Ile; replaces asparagine 2186 with isoleucine.
Molecular consequence: missense variant.
Genome position (GRCh38, 1-based): chr16:3,728,490, T>A on the plus strand (A>T on the coding strand, the complement: CREBBP is on the minus strand). VCF-style: chr16-3728490-T-A. GRCh37 (hg19) VCF-style: chr16-3778491-T-A.
Other names: c.6443A>T, p.Asn2148Ile (NM_001079846.1); short protein forms N2148I, N2186I.
Identifiers: ClinVar variation 1699489 (VCV001699489.25), dbSNP rs1358192617, ClinGen allele CA394552452.